The following is an entry in ClinVar:

NM_032040.5(CCDC8):c.160G>A (p.Asp54Asn)

Gene: CCDC8 (coiled-coil domain containing 8 subunit of 3M complex; minus strand). Cytogenetic location: 19q13.32.
Variant type: single nucleotide variant.
Coding change: c.160G>A on transcript NM_032040.5 (MANE Select); coding-DNA position 160, G replaced by A.
Protein change: p.Asp54Asn; replaces aspartic acid 54 with asparagine.
Molecular consequence: missense variant.
Genome position (GRCh38, 1-based): chr19:46,412,651, C>T on the plus strand (G>A on the coding strand, the complement: CCDC8 is on the minus strand). VCF-style: chr19-46412651-C-T. GRCh37 (hg19) VCF-style: chr19-46915908-C-T.
Other names: c.160G>A (NM_032040.3); short protein forms D54N.
Identifiers: ClinVar variation 2182262 (VCV002182262.3), dbSNP rs771987460, ClinGen allele CA9528769.

ClinVar aggregate classification (germline): Uncertain significance. Review status: criteria provided, multiple submitters, no conflicts (2 of 4 stars). 2 submissions from 2 submitters: Uncertain significance (2). Last evaluated 2025-08-14.

Conditions:
Inborn genetic diseases. Identifiers: MedGen C0950123, MeSH D030342.

Allele frequency attached by ClinVar (database versions not stated): ExAC 0.00003; gnomAD 0.00005; gnomAD exomes 0.00010.

Submissions (2):

Ambry Genetics
Classification: Uncertain significance for Inborn genetic diseases. Last evaluated: 2025-08-14. Review status: criteria provided, single submitter. Criteria: Ambry Variant Classification Scheme 2023. Collection method: clinical testing. Allele origin: germline.

Labcorp Genetics (formerly Invitae), Labcorp
Classification: Uncertain significance. Last evaluated: 2022-11-08. Review status: criteria provided, single submitter. Criteria: Invitae Variant Classification Sherloc (09022015). Collection method: clinical testing. Allele origin: germline.
Comment: In summary, the available evidence is currently insufficient to determine the role of this variant in disease. Therefore, it has been classified as a Variant of Uncertain Significance. Algorithms developed to predict the effect of missense changes on protein structure and function are either unavailable or do not agree on the potential impact of this missense change (SIFT: "Deleterious"; PolyPhen-2: "Probably Damaging"; Align-GVGD: "Class C0"). This variant has not been reported in the literature in individuals affected with CCDC8-related conditions. This variant is present in population databases (rs771987460, gnomAD 0.006%). This sequence change replaces aspartic acid, which is acidic and polar, with asparagine, which is neutral and polar, at codon 54 of the CCDC8 protein (p.Asp54Asn).